The following is an entry in ClinVar:

ClinVar aggregate classification (germline): Pathogenic. Review status: criteria provided, multiple submitters, no conflicts (2 of 4 stars). 3 submissions from 3 submitters: Pathogenic (3). Last evaluated 2025-03-27.

Conditions:
Methylmalonic aciduria due to complete methylmalonyl-CoA mutase deficiency.

Allele frequency attached by ClinVar (database versions not stated): gnomAD exomes below 0.00001; TOPMed 0.00001.

Submissions (3):

GeneDx
Classification: Pathogenic. Last evaluated: 2025-03-27. Review status: criteria provided, single submitter. Criteria: GeneDx Variant Classification Process June 2021. Collection method: clinical testing. Allele origin: germline. Affected: yes.
Comment: Frameshift variant predicted to result in protein truncation or nonsense mediated decay in a gene for which loss of function is a known mechanism of disease; Not observed at significant frequency in large population cohorts (gnomAD); This variant is associated with the following publications: (PMID: 23045948, 16281286, 32778825)

Natera, Inc.
Classification: Pathogenic for Methylmalonic aciduria due to complete methylmalonyl-CoA mutase deficiency. Last evaluated: 2024-03-15. Review status: criteria provided, single submitter. Criteria: Natera Variant Classification Schema (03/2026). Collection method: clinical testing. Allele origin: germline.
Comment: The c.1891delG variant in MMUT is a frameshift variant predicted to shift the reading frame beginning at codon 631 and leads to a stop codon 17 codons downstream. This variant is expected to result in nonsense mediated decay, truncation, or a dysfunctional protein product. This variant is rare in the general population with a frequency below the threshold expected for the associated phenotype(s). This variant has been observed in one or more individuals affected with the associated recessive disease, as either homozygous or compound heterozygous with a second variant (PMID: 27233228, 25326637, 16281286). Given the available evidence, this variant is classified as Pathogenic.

Labcorp Genetics (formerly Invitae), Labcorp
Classification: Pathogenic. Last evaluated: 2023-08-29. Review status: criteria provided, single submitter. Criteria: Invitae Variant Classification Sherloc (09022015). Collection method: clinical testing. Allele origin: germline.
Comment: For these reasons, this variant has been classified as Pathogenic. ClinVar contains an entry for this variant (Variation ID: 242511). This premature translational stop signal has been observed in individual(s) with methylmalonic aciduria (PMID: 16281286). This variant is present in population databases (no rsID available, gnomAD 0.003%). This sequence change creates a premature translational stop signal (p.Ala631Glnfs*17) in the MUT gene. It is expected to result in an absent or disrupted protein product. Loss-of-function variants in MUT are known to be pathogenic (PMID: 15781192).

Literature cited by the submitters: PubMed 27233228 (cited by Natera, Inc.); PubMed 25326637 (cited by Natera, Inc.); PubMed 16281286 (cited by Natera, Inc. and Labcorp Genetics (formerly Invitae), Labcorp); PubMed 15781192 (cited by Labcorp Genetics (formerly Invitae), Labcorp).

NM_000255.4(MMUT):c.1891del (p.Ala631fs)

Gene: MMUT (methylmalonyl-CoA mutase; minus strand). Cytogenetic location: 6p12.3.
Variant type: Deletion.
Coding change: c.1891del on transcript NM_000255.4 (MANE Select); coding-DNA position 1891, one base deleted (G; older notation c.1891delG).
Protein change: p.Ala631fs; shifts the reading frame from alanine 631.
Molecular consequence: frameshift variant.
Genome position (GRCh38, 1-based): chr6:49,440,271, C deleted on the plus strand (G on the coding strand, the reverse complement: MMUT is on the minus strand). VCF-style (leftmost placement, unchanged base first): chr6-49440270-GC-G. GRCh37 (hg19) VCF-style: chr6-49407983-GC-G.
Other names: c.1891delG (NM_000255.3); c.1891del (NM_000255.3); short protein forms A631fs.
Identifiers: ClinVar variation 242511 (VCV000242511.13), dbSNP rs863224898, ClinGen allele CA351288.